The following is an entry in ClinVar:

ClinVar aggregate classification (germline): Uncertain significance (1 of 4 stars; one submission).

Conditions:
Immunodeficiency 19 (IMD19). Also called: IMMUNODEFICIENCY 19, SEVERE COMBINED; CD3-DELTA DEFICIENCY; SEVERE COMBINED IMMUNODEFICIENCY, T CELL-NEGATIVE, B CELL-POSITIVE, NK CELL-POSITIVE; SCID, T CELL-NEGATIVE, B CELL-POSITIVE, NK CELL-POSITIVE. Identifiers: MedGen C3810147, MONDO:0014280, OMIM 615617.

Allele frequency attached by ClinVar (database versions not stated): gnomAD exomes below 0.00001; ExAC 0.00001; gnomAD 0.00001; 1000 Genomes Project 30x 0.00016; 1000 Genomes Project 0.00020.

Submission:

Labcorp Genetics (formerly Invitae), Labcorp
Classification: Uncertain significance for Immunodeficiency 19. Last evaluated: 2022-02-19. Review status: criteria provided, single submitter. Criteria: Invitae Variant Classification Sherloc (09022015). Collection method: clinical testing. Allele origin: germline.
Comment: This sequence change replaces phenylalanine, which is neutral and non-polar, with leucine, which is neutral and non-polar, at codon 125 of the CD3D protein (p.Phe125Leu). This variant is present in population databases (rs554138504, gnomAD 0.003%). This variant has not been reported in the literature in individuals affected with CD3D-related conditions. Algorithms developed to predict the effect of missense changes on protein structure and function are either unavailable or do not agree on the potential impact of this missense change (SIFT: "Tolerated"; PolyPhen-2: "Possibly Damaging"; Align-GVGD: "Class C0"). In summary, the available evidence is currently insufficient to determine the role of this variant in disease. Therefore, it has been classified as a Variant of Uncertain Significance.

NM_000732.6(CD3D):c.373T>C (p.Phe125Leu)

Gene: CD3D (CD3 delta subunit of T-cell receptor complex; minus strand). Cytogenetic location: 11q23.3.
Variant type: single nucleotide variant.
Coding change: c.373T>C on transcript NM_000732.6 (MANE Select); coding-DNA position 373, T replaced by C.
Protein change: p.Phe125Leu; replaces phenylalanine 125 with leucine.
Molecular consequence: missense variant. On other transcripts: intron variant (1).
Genome position (GRCh38, 1-based): chr11:118,339,808, A>G on the plus strand (T>C on the coding strand, the complement: CD3D is on the minus strand). VCF-style: chr11-118339808-A-G. GRCh37 (hg19) VCF-style: chr11-118210523-A-G.
Other names: c.275-314T>C (NM_001040651.2); short protein forms F125L.
Identifiers: ClinVar variation 1415416 (VCV001415416.5), dbSNP rs554138504, ClinGen allele CA6301928.